The following is an entry in ClinVar:

ClinVar aggregate classification (germline): Uncertain significance. Review status: criteria provided, multiple submitters, no conflicts (2 of 4 stars). 2 submissions from 2 submitters: Uncertain significance (2). Last evaluated 2024-11-07.

Conditions:
Inborn genetic diseases. Identifiers: MedGen C0950123, MeSH D030342.
T-cell immunodeficiency, congenital alopecia, and nail dystrophy. Also called: Congenital alopecia and nail dystrophy associated with severe functional T-cell immunodeficiency; Pignata Guarino syndrome. Identifiers: Orphanet 169095, MedGen C1866426, MONDO:0011132, OMIM 601705.

Allele frequency attached by ClinVar (database versions not stated): ESP Exome Variant Server 0.00008; ExAC 0.00018; gnomAD 0.00021 and 0.00023; gnomAD exomes 0.00021 and 0.00042; TOPMed 0.00023.
gnomAD v4.1: 629 of 1,612,488 alleles (0.039%); highest among the groups gnomAD compares: Non-Finnish European, 0.051%; no homozygotes.

Submissions (2):

Ambry Genetics
Classification: Uncertain significance for Inborn genetic diseases. Last evaluated: 2024-11-07. Review status: criteria provided, single submitter. Criteria: Ambry Variant Classification Scheme 2023. Collection method: clinical testing. Allele origin: germline.

Labcorp Genetics (formerly Invitae), Labcorp
Classification: Uncertain significance for T-cell immunodeficiency, congenital alopecia, and nail dystrophy. Last evaluated: 2024-11-03. Review status: criteria provided, single submitter. Criteria: Invitae Variant Classification Sherloc (09022015). Collection method: clinical testing. Allele origin: germline.
Comment: This sequence change replaces leucine, which is neutral and non-polar, with proline, which is neutral and non-polar, at codon 19 of the FOXN1 protein (p.Leu19Pro). This variant is present in population databases (rs370010190, gnomAD 0.03%). This variant has not been reported in the literature in individuals affected with FOXN1-related conditions. ClinVar contains an entry for this variant (Variation ID: 855562). An algorithm developed to predict the effect of missense changes on protein structure and function (PolyPhen-2) suggests that this variant is likely to be disruptive. In summary, the available evidence is currently insufficient to determine the role of this variant in disease. Therefore, it has been classified as a Variant of Uncertain Significance.

NM_001369369.1(FOXN1):c.56T>C (p.Leu19Pro)

Gene: FOXN1 (forkhead box N1; plus strand). Cytogenetic location: 17q11.2.
Variant type: single nucleotide variant.
Coding change: c.56T>C on transcript NM_001369369.1 (MANE Select); coding-DNA position 56, T replaced by C.
Protein change: p.Leu19Pro; replaces leucine 19 with proline.
Molecular consequence: missense variant.
Genome position (GRCh38, 1-based): chr17:28,524,025, T>C. VCF-style: chr17-28524025-T-C. GRCh37 (hg19) VCF-style: chr17-26851043-T-C.
Other names: c.56T>C, p.Leu19Pro (NM_003593.3); short protein forms L19P.
Identifiers: ClinVar variation 855562 (VCV000855562.6), dbSNP rs370010190, ClinGen allele CA8459125.